The following is an entry in ClinVar:

NM_000122.2(ERCC3):c.992G>T (p.Gly331Val)

Gene: ERCC3 (ERCC excision repair 3, TFIIH core complex helicase subunit; minus strand). Cytogenetic location: 2q14.3.
Variant type: single nucleotide variant.
Coding change: c.992G>T on transcript NM_000122.2 (MANE Select); coding-DNA position 992, G replaced by T.
Protein change: p.Gly331Val; replaces glycine 331 with valine.
Molecular consequence: missense variant.
Genome position (GRCh38, 1-based): chr2:127,288,695, C>A on the plus strand (G>T on the coding strand, the complement: ERCC3 is on the minus strand). VCF-style: chr2-127288695-C-A. GRCh37 (hg19) VCF-style: chr2-128046271-C-A.
Other names: c.800G>T, p.Gly267Val (NM_001303416.2, NM_001303418.2); short protein forms G267V, G331V.
Identifiers: ClinVar variation 1509686 (VCV001509686.8), dbSNP rs1685162601, ClinGen allele CA348390233.

ClinVar aggregate classification (germline): Uncertain significance (1 of 4 stars; one submission).

Allele frequency attached by ClinVar (database versions not stated): TOPMed below 0.00001.

Submission:

Labcorp Genetics (formerly Invitae), Labcorp
Classification: Uncertain significance. Last evaluated: 2021-02-13. Review status: criteria provided, single submitter. Criteria: Invitae Variant Classification Sherloc (09022015). Collection method: clinical testing. Allele origin: germline.
Comment: This sequence change replaces glycine with valine at codon 331 of the ERCC3 protein (p.Gly331Val). The glycine residue is highly conserved and there is a moderate physicochemical difference between glycine and valine. This variant is not present in population databases (ExAC no frequency). This variant has not been reported in the literature in individuals with ERCC3-related conditions. Algorithms developed to predict the effect of missense changes on protein structure and function are either unavailable or do not agree on the potential impact of this missense change (SIFT: "Deleterious"; PolyPhen-2: "Probably Damaging"; Align-GVGD: "Class C15"). Algorithms developed to predict the effect of sequence changes on RNA splicing suggest that this variant may create or strengthen a splice site, but this prediction has not been confirmed by published transcriptional studies. In summary, the available evidence is currently insufficient to determine the role of this variant in disease. Therefore, it has been classified as a Variant of Uncertain Significance.